The following is an entry in ClinVar:

NM_016327.3(UPB1):c.873+5G>A

Gene: UPB1 (beta-ureidopropionase 1; plus strand). Cytogenetic location: 22q11.23.
Variant type: single nucleotide variant.
Coding change: c.873+5G>A on transcript NM_016327.3 (MANE Select); 5 bases into the intron after coding-DNA position 873, G replaced by A.
Molecular consequence: intron variant.
Genome position (GRCh38, 1-based): chr22:24,520,473, G>A. VCF-style: chr22-24520473-G-A. GRCh37 (hg19) VCF-style: chr22-24916441-G-A.
Identifiers: ClinVar variation 1415926 (VCV001415926.6), dbSNP rs757667014, ClinGen allele CA2573157852.

ClinVar aggregate classification (germline): Uncertain significance (1 of 4 stars; one submission).

Submission:

Labcorp Genetics (formerly Invitae), Labcorp
Classification: Uncertain significance. Last evaluated: 2023-11-27. Review status: criteria provided, single submitter. Criteria: Invitae Variant Classification Sherloc (09022015). Collection method: clinical testing. Allele origin: germline.
Comment: This sequence change falls in intron 7 of the UPB1 gene. It does not directly change the encoded amino acid sequence of the UPB1 protein. It affects a nucleotide within the consensus splice site. This variant is not present in population databases (gnomAD no frequency). This variant has not been reported in the literature in individuals affected with UPB1-related conditions. ClinVar contains an entry for this variant (Variation ID: 1415926). Variants that disrupt the consensus splice site are a relatively common cause of aberrant splicing (PMID: 17576681, 9536098). Algorithms developed to predict the effect of sequence changes on RNA splicing suggest that this variant may disrupt the consensus splice site. In summary, the available evidence is currently insufficient to determine the role of this variant in disease. Therefore, it has been classified as a Variant of Uncertain Significance.

Literature cited by the submitters: PubMed 17576681; PubMed 9536098.